The following is an entry in ClinVar:

NM_005502.4(ABCA1):c.1131G>A (p.Pro377=)

Gene: ABCA1 (ATP binding cassette subfamily A member 1; minus strand). Cytogenetic location: 9q31.1.
Variant type: single nucleotide variant.
Coding change: c.1131G>A on transcript NM_005502.4 (MANE Select); coding-DNA position 1131, G replaced by A.
Protein change: p.Pro377=; no amino-acid change (proline 377 retained).
Molecular consequence: synonymous variant.
Genome position (GRCh38, 1-based): chr9:104,837,491, C>T on the plus strand (G>A on the coding strand, the complement: ABCA1 is on the minus strand). VCF-style: chr9-104837491-C-T. GRCh37 (hg19) VCF-style: chr9-107599772-C-T.
Other names: c.1131G>A (NM_005502.3).
Identifiers: ClinVar variation 2154772 (VCV002154772.13), dbSNP rs755139138, ClinGen allele CA5169107.

ClinVar aggregate classification (germline): Likely benign. Review status: criteria provided, multiple submitters, no conflicts (2 of 4 stars). 3 submissions from 3 submitters: Likely benign (3). Last evaluated 2025-09-01.

Conditions:
Cardiovascular phenotype. Identifiers: MedGen CN230736.

Allele frequency attached by ClinVar (database versions not stated): ExAC 0.00002; TOPMed 0.00006.
gnomAD v4.1: 33 of 1,614,006 alleles (0.002%); highest among the groups gnomAD compares: Middle Eastern, 0.016%; no homozygotes.

Submissions (3):

CeGaT Center for Human Genetics Tuebingen
Classification: Likely benign. Last evaluated: 2025-09-01. Review status: criteria provided, single submitter. Criteria: CeGaT Center For Human Genetics Tuebingen Variant Classification Criteria Version 2. Collection method: clinical testing. Allele origin: germline. Affected: yes. Observed: 1 variant allele.
Comment: ABCA1: BP4, BP7

Ambry Genetics
Classification: Likely benign for Cardiovascular phenotype. Last evaluated: 2023-10-15. Review status: criteria provided, single submitter. Criteria: Ambry Variant Classification Scheme 2023. Collection method: clinical testing. Allele origin: germline.

Labcorp Genetics (formerly Invitae), Labcorp
Classification: Likely benign. Last evaluated: 2023-09-09. Review status: criteria provided, single submitter. Criteria: Invitae Variant Classification Sherloc (09022015). Collection method: clinical testing. Allele origin: germline.